The following is an entry in ClinVar:

NM_194293.4(XIRP1):c.*4C>T

Gene: XIRP1 (xin actin binding repeat containing 1; minus strand). Cytogenetic location: 3p22.2.
Variant type: single nucleotide variant.
Coding change: c.*4C>T on transcript NM_194293.4 (MANE Select); 4 bases downstream of the stop codon, C replaced by T.
Molecular consequence: 3 prime UTR variant.
Genome position (GRCh38, 1-based): chr3:39,183,910, G>A on the plus strand (C>T on the coding strand, the complement: XIRP1 is on the minus strand). VCF-style: chr3-39183910-G-A. GRCh37 (hg19) VCF-style: chr3-39225401-G-A.
Other names: c.*1743C>T (NM_001198621.4); c.*4C>T (NM_001351377.2).
Identifiers: ClinVar variation 3033912 (VCV003033912.2), dbSNP rs201019991, ClinGen allele CA2325627.
Genomic context (GRCh38, chr3:39,183,910, plus strand): 5'-CACTTCAGTCCTGGGGCAGTGGAGGCCAGGAACAGGTGGCAGGTGTGGTGGGAGGCGGTG[G>A]GCCTCACTGGGCAGCTGGCTGGGAGTAGCTGCAGGACACCTGCACCGTCTCAGCTTCTGT-3'

ClinVar aggregate classification (germline): Benign (0 of 4 stars; one submission).

Conditions:
XIRP1-related disorder. Also called: XIRP1-related condition.

Allele frequency attached by ClinVar (database versions not stated): gnomAD exomes 0.00020; ExAC 0.00077; 1000 Genomes Project 30x 0.00094; 1000 Genomes Project 0.00100; gnomAD 0.00220; TOPMed 0.00234; ESP Exome Variant Server 0.00308.
gnomAD v4.1: 632 of 1,607,648 alleles (0.039%); highest among the groups gnomAD compares: African/African-American, 0.79%; 4 homozygotes.

Submission:

PreventionGenetics, part of Exact Sciences
Classification: Benign for XIRP1-related condition. Last evaluated: 2019-06-18. Review status: no assertion criteria provided. Collection method: clinical testing. Allele origin: germline.
Comment: This variant is classified as benign based on ACMG/AMP sequence variant interpretation guidelines (Richards et al. 2015 PMID: 25741868, with internal and published modifications).